The following is an entry in ClinVar:

NR_197388.1(MIR17HG):n.1970GA[2]

Gene: MIR17HG (miR-17-92a-1 cluster host gene; plus strand). Cytogenetic location: 13q31.3.
Variant type: Microsatellite.
Molecular consequence: non-coding transcript variant (on NR_197388.1).
Genome position: GRCh38 VCF-style: chr13-91351777-TAG-T. GRCh37 (hg19) VCF-style: chr13-92004031-TAG-T.
Identifiers: ClinVar variation 4997499 (VCV004997499.1).
Genomic context (GRCh38, chr13:91,351,777, plus strand): 5'-TATTTTACTTAATCTAAAAGTTAATTTATGTTGCTCATATATTACTCAAGTATTTAAATT[TAG>T]AGAGAATGCCGCTCTGTTTAAAGCAATGTGTAAAGATGAGTTTTTTTAAGCATGGAATTT-3'

ClinVar aggregate classification (germline): Uncertain significance (1 of 4 stars; one submission).

Conditions:
MIR17HG-related disorder. Also called: MIR17HG-related condition.

Submission:

PreventionGenetics, part of Exact Sciences
Classification: Uncertain significance for MIR17HG-related condition. Last evaluated: 2025-02-19. Review status: criteria provided, single submitter. Criteria: ACMG Guidelines, 2015. Collection method: clinical testing. Allele origin: germline.
Comment: The MIR17HG n.2226_2227delGA variant is predicted to result in an in-frame deletion (Non-Coding). To our knowledge, this variant has not been reported in the literature or in a large population database (gnomAD), indicating this variant is rare. At this time, the clinical significance of this variant is uncertain due to the absence of conclusive functional and genetic evidence.